The following is an entry in ClinVar:

ClinVar aggregate classification (germline): Uncertain significance (1 of 4 stars; one submission).

Submission:

Labcorp Genetics (formerly Invitae), Labcorp
Classification: Uncertain significance. Last evaluated: 2024-10-22. Review status: criteria provided, single submitter. Criteria: Invitae Variant Classification Sherloc (09022015). Collection method: clinical testing. Allele origin: germline.
Comment: This sequence change replaces glutamine, which is neutral and polar, with arginine, which is basic and polar, at codon 80 of the TNFAIP3 protein (p.Gln80Arg). This variant is not present in population databases (gnomAD no frequency). This variant has not been reported in the literature in individuals affected with TNFAIP3-related conditions. ClinVar contains an entry for this variant (Variation ID: 2162009). Invitae Evidence Modeling of protein sequence and biophysical properties (such as structural, functional, and spatial information, amino acid conservation, physicochemical variation, residue mobility, and thermodynamic stability) indicates that this missense variant is not expected to disrupt TNFAIP3 protein function with a negative predictive value of 80%. In summary, the available evidence is currently insufficient to determine the role of this variant in disease. Therefore, it has been classified as a Variant of Uncertain Significance.

NM_001270508.2(TNFAIP3):c.239A>G (p.Gln80Arg)

Gene: TNFAIP3 (TNF alpha induced protein 3; plus strand). Cytogenetic location: 6q23.3.
Variant type: single nucleotide variant.
Coding change: c.239A>G on transcript NM_001270508.2 (MANE Select); coding-DNA position 239, A replaced by G.
Protein change: p.Gln80Arg; replaces glutamine 80 with arginine.
Molecular consequence: missense variant.
Genome position (GRCh38, 1-based): chr6:137,871,466, A>G. VCF-style: chr6-137871466-A-G. GRCh37 (hg19) VCF-style: chr6-138192603-A-G.
Other names: c.239A>G, p.Gln80Arg (NM_001270507.2, NM_006290.4); short protein forms Q80R.
Identifiers: ClinVar variation 2162009 (VCV002162009.4), dbSNP rs2482709950, ClinGen allele CA365780699.